The following is an entry in ClinVar:

NM_000245.4(MET):c.2870A>T (p.Lys957Met)

Gene: MET (MET proto-oncogene, receptor tyrosine kinase; plus strand). Cytogenetic location: 7q31.2.
Variant type: single nucleotide variant.
Coding change: c.2870A>T on transcript NM_000245.4 (MANE Select); coding-DNA position 2870, A replaced by T.
Protein change: p.Lys957Met; replaces lysine 957 with methionine.
Molecular consequence: missense variant.
Genome position (GRCh38, 1-based): chr7:116,771,637, A>T. VCF-style: chr7-116771637-A-T. GRCh37 (hg19) VCF-style: chr7-116411691-A-T.
Other names: c.2924A>T, p.Lys975Met (NM_001127500.3); c.1580A>T, p.Lys527Met (NM_001324402.2); short protein forms K975M, K527M, K957M.
Identifiers: ClinVar variation 1509000 (VCV001509000.6), dbSNP rs1794836962, ClinGen allele CA368986748.

ClinVar aggregate classification (germline): Uncertain significance (1 of 4 stars; one submission).

Conditions:
Renal cell carcinoma. Identifiers: Orphanet 217071, MedGen C0007134, MeSH D002292, MONDO:0005086, HP:0005584.

Submission:

Labcorp Genetics (formerly Invitae), Labcorp
Classification: Uncertain significance for Renal cell carcinoma. Last evaluated: 2021-07-31. Review status: criteria provided, single submitter. Criteria: Invitae Variant Classification Sherloc (09022015). Collection method: clinical testing. Allele origin: germline.
Comment: In summary, the available evidence is currently insufficient to determine the role of this variant in disease. Therefore, it has been classified as a Variant of Uncertain Significance. Algorithms developed to predict the effect of missense changes on protein structure and function are either unavailable or do not agree on the potential impact of this missense change (SIFT: "Deleterious"; PolyPhen-2: "Possibly Damaging"; Align-GVGD: "Class C0"). This variant has not been reported in the literature in individuals affected with MET-related conditions. This variant is not present in population databases (ExAC no frequency). This sequence change replaces lysine with methionine at codon 975 of the MET protein (p.Lys975Met). The lysine residue is moderately conserved and there is a moderate physicochemical difference between lysine and methionine.